The following is an entry in ClinVar:

NM_007144.3(PCGF2):c.435C>T (p.Asp145=)

Gene: PCGF2 (polycomb group ring finger 2; minus strand). Cytogenetic location: 17q12.
Variant type: single nucleotide variant.
Coding change: c.435C>T on transcript NM_007144.3 (MANE Select); coding-DNA position 435, C replaced by T.
Protein change: p.Asp145=; no amino-acid change (aspartic acid 145 retained).
Molecular consequence: synonymous variant.
Genome position (GRCh38, 1-based): chr17:38,738,586, G>A on the plus strand (C>T on the coding strand, the complement: PCGF2 is on the minus strand). VCF-style: chr17-38738586-G-A. GRCh37 (hg19) VCF-style: chr17-36894839-G-A.
Other names: c.435C>T (NM_007144.2); c.435C>T, p.Asp145= (NM_001369614.1, NM_001369615.1).
Identifiers: ClinVar variation 1326991 (VCV001326991.13), dbSNP rs1138349, ClinGen allele CA8524984.
Genomic context (GRCh38, chr17:38,738,586, plus strand): 5'-GGCCCCAGCACTCACTTTCTCTTTGTCCCCATCCCCATTCTCCAGGGGGCCCTTCTTCTC[G>A]TCCCGGTCCCTGGGGACGGAGAAAGAATGAAGCTAGGAAGACCCAGGAAGAACCAGGAGA-3'
Protein context (NP_009075.1, residues 135-155): IEFYEGARDR[Asp145=]EKKGPLENGD

ClinVar aggregate classification (germline): Benign. Review status: criteria provided, multiple submitters, no conflicts (2 of 4 stars). 4 submissions from 4 submitters: Benign (3). 1 of the submissions does not count toward it. Last evaluated 2026-02-04.

Conditions:
PCGF2-related disorder. Also called: PCGF2-related condition.
Turnpenny-fry syndrome. Also called: NEUROCARDIOSKELETAL SYNDROME. Identifiers: Orphanet 688642, MedGen C5193060, MONDO:0032707, OMIM 618371.

Allele frequency attached by ClinVar (database versions not stated): 1000 Genomes Project 30x 0.43254; gnomAD exomes 0.43647 and 0.45817; 1000 Genomes Project 0.43371; gnomAD 0.46551 and 0.46794; ExAC 0.44232; TOPMed 0.45954; ESP Exome Variant Server 0.47670.
gnomAD v4.1: 721,653 of 1,572,030 alleles (46%); highest among the groups gnomAD compares: African/African-American, 51%; 167,169 homozygotes.

Submissions (4):

Labcorp Genetics (formerly Invitae), Labcorp
Classification: Benign. Last evaluated: 2026-02-04. Review status: criteria provided, single submitter. Criteria: Invitae Variant Classification Sherloc (09022015). Collection method: clinical testing. Allele origin: germline.

Genome-Nilou Lab
Classification: Benign for Turnpenny-fry syndrome. Last evaluated: 2021-09-05. Review status: criteria provided, single submitter. Criteria: ACMG Guidelines, 2015. Collection method: clinical testing. Allele origin: germline. Affected: no.

Breakthrough Genomics
Classification: Benign. Review status: criteria provided, single submitter. Criteria: ACMG Guidelines, 2015. Collection method: not provided. Allele origin: germline. Inheritance: Autosomal dominant inheritance. Affected: yes.

PreventionGenetics, part of Exact Sciences
Classification: Benign for PCGF2-related condition. Last evaluated: 2019-10-17. Review status: no assertion criteria provided. Collection method: clinical testing. Allele origin: germline. Not counted in ClinVar's aggregate classification.
Comment: This variant is classified as benign based on ACMG/AMP sequence variant interpretation guidelines (Richards et al. 2015 PMID: 25741868, with internal and published modifications).